The following is an entry in ClinVar:

NM_014714.4(IFT140):c.919C>T (p.Arg307Ter)

Genes: IFT140 (intraflagellar transport 140; minus strand), LOC105371046 (uncharacterized LOC105371046; plus strand). Cytogenetic location: 16p13.3.
Variant type: single nucleotide variant.
Coding change: c.919C>T on transcript NM_014714.4 (MANE Select); coding-DNA position 919, C replaced by T.
Protein change: p.Arg307Ter; replaces arginine 307 with a stop codon.
Molecular consequence: nonsense.
Genome position (GRCh38, 1-based): chr16:1,587,288, G>A on the plus strand (C>T on the coding strand, the complement: IFT140 is on the minus strand). VCF-style: chr16-1587288-G-A. GRCh37 (hg19) VCF-style: chr16-1637289-G-A.
Other names: short protein forms R307*.
Identifiers: ClinVar variation 1417771 (VCV001417771.7), dbSNP rs1307461796, ClinGen allele CA394216992.

ClinVar aggregate classification (germline): Pathogenic/Likely pathogenic. Review status: criteria provided, multiple submitters, no conflicts (2 of 4 stars). 2 submissions from 2 submitters: Pathogenic (1); Likely pathogenic (1). Last evaluated 2025-04-19.

Conditions:
Saldino-Mainzer syndrome (SRTD9). Also called: CONORENAL SYNDROME; Renal dysplasia, retinal pigmentary dystrophy, cerebellar ataxia and skeletal dysplasia; SHORT-RIB THORACIC DYSPLASIA 9 WITHOUT POLYDACTYLY; short-rib thoracic dysplasia 9 with or without polydactyly. Identifiers: Orphanet 140969, MedGen C1849437, MONDO:0009964, OMIM 266920.
Retinitis pigmentosa 80 (RP80). Identifiers: MedGen C4540439, MONDO:0054708, OMIM 617781.

Allele frequency attached by ClinVar (database versions not stated): gnomAD exomes below 0.00001.

Submissions (2):

Labcorp Genetics (formerly Invitae), Labcorp
Classification: Pathogenic for Saldino-Mainzer syndrome. Last evaluated: 2025-04-19. Review status: criteria provided, single submitter. Criteria: Invitae Variant Classification Sherloc (09022015). Collection method: clinical testing. Allele origin: germline.
Comment: This sequence change creates a premature translational stop signal (p.Arg307*) in the IFT140 gene. It is expected to result in an absent or disrupted protein product. Loss-of-function variants in IFT140 are known to be pathogenic (PMID: 22503633, 23418020, 24009529, 26216056). This variant is present in population databases (no rsID available, gnomAD 0.0009%). This variant has not been reported in the literature in individuals affected with IFT140-related conditions. ClinVar contains an entry for this variant (Variation ID: 1417771). Algorithms developed to predict the effect of sequence changes on RNA splicing suggest that this variant may disrupt the consensus splice site. For these reasons, this variant has been classified as Pathogenic.

Fulgent Genetics
Classification: Likely pathogenic for Saldino-Mainzer syndrome; Retinitis pigmentosa 80. Last evaluated: 2024-06-18. Review status: criteria provided, single submitter. Criteria: ACMG Guidelines, 2015. Collection method: clinical testing. Allele origin: germline.

Literature cited by the submitters: PubMed 22503633 (cited by Labcorp Genetics (formerly Invitae), Labcorp); PubMed 23418020 (cited by Labcorp Genetics (formerly Invitae), Labcorp); PubMed 24009529 (cited by Labcorp Genetics (formerly Invitae), Labcorp); PubMed 26216056 (cited by Labcorp Genetics (formerly Invitae), Labcorp).